The following is an entry in ClinVar:

NM_001366110.1(PAX4):c.454G>A (p.Val152Ile)

Gene: PAX4 (paired box 4; minus strand). Cytogenetic location: 7q32.1.
Variant type: single nucleotide variant.
Coding change: c.454G>A on transcript NM_001366110.1 (MANE Select); coding-DNA position 454, G replaced by A.
Protein change: p.Val152Ile; replaces valine 152 with isoleucine.
Molecular consequence: missense variant.
Genome position (GRCh38, 1-based): chr7:127,613,864, C>T on the plus strand (G>A on the coding strand, the complement: PAX4 is on the minus strand). VCF-style: chr7-127613864-C-T. GRCh37 (hg19) VCF-style: chr7-127253918-C-T.
Other names: c.454G>A, p.Val152Ile (NM_001366111.1); short protein forms V152I.
Identifiers: ClinVar variation 2502166 (VCV002502166.4), dbSNP rs752253116, ClinGen allele CA4468079.

ClinVar aggregate classification (germline): Uncertain significance. Review status: criteria provided, multiple submitters, no conflicts (2 of 4 stars). 2 submissions from 2 submitters: Uncertain significance (2). Last evaluated 2024-06-12.

Conditions:
Type 2 diabetes mellitus. Also called: Type II diabetes mellitus. Identifiers: MedGen C0011860, MeSH D003924, MONDO:0005148, OMIM 125853, HP:0005978.
Maturity-onset diabetes of the young type 9 (MODY9). Identifiers: Orphanet 552, MedGen C2677132, MONDO:0012818, OMIM 612225.

Allele frequency attached by ClinVar (database versions not stated): gnomAD exomes 0.00003; ExAC 0.00008; gnomAD 0.00001; TOPMed 0.00001.
gnomAD v4.1: 47 of 1,613,914 alleles (0.0029%); highest among the groups gnomAD compares: South Asian, 0.051%; no homozygotes.

Submissions (2):

Labcorp Genetics (formerly Invitae), Labcorp
Classification: Uncertain significance. Last evaluated: 2024-06-12. Review status: criteria provided, single submitter. Criteria: Invitae Variant Classification Sherloc (09022015). Collection method: clinical testing. Allele origin: germline.
Comment: This sequence change replaces valine, which is neutral and non-polar, with isoleucine, which is neutral and non-polar, at codon 144 of the PAX4 protein (p.Val144Ile). This variant is present in population databases (rs752253116, gnomAD 0.06%), and has an allele count higher than expected for a pathogenic variant. This variant has not been reported in the literature in individuals affected with PAX4-related conditions. ClinVar contains an entry for this variant (Variation ID: 2502166). An algorithm developed to predict the effect of missense changes on protein structure and function (PolyPhen-2) suggests that this variant is likely to be tolerated. In summary, the available evidence is currently insufficient to determine the role of this variant in disease. Therefore, it has been classified as a Variant of Uncertain Significance.

New York Genome Center
Classification: Uncertain significance for Type 2 diabetes mellitus; Maturity-onset diabetes of the young type 9. Last evaluated: 2022-05-23. Review status: criteria provided, single submitter. Criteria: NYGC Assertion Criteria 2020. Collection method: clinical testing. Allele origin: germline. Observed: 1 heterozygote.
Comment: The c.454G>A p.(Val152Ile) variant in the PAX4 gene has not previously been reported in the literature or public variant repositories (ClinVar and LOVD). The c.454G>A variant is observed in 22 alleles (~0.006% minor allele frequency with 0 homozygote) in population databases (gnomAD v2.1.1 andv3.1.2, TOPMed Freeze 8), suggesting it is not a common benign variant in the populations represented in those databases. The c.454G>A variant in PAX4 is located in exon 7 of this 12-exon gene, and predicted to replace a weakly conserved Valine amino acid with Isoleucine at position 152 of this 351-amino-acid protein. In silico predictions are in favor of a benign effect for this variant [(CADD v1.6 = 12.35, REVEL = 0.117)]; however, there are no functional studies to support or refute these predictions. Based on available evidence this c.454G>A p.(Val152Ile) variant identified in PAX4 is classified as a Variant of Uncertain Significance.